The following is an entry in ClinVar:

NM_001379500.1(COL18A1):c.1132G>A (p.Ala378Thr)

Gene: COL18A1 (collagen type XVIII alpha 1 chain; plus strand). Cytogenetic location: 21q22.3.
Variant type: single nucleotide variant.
Coding change: c.1132G>A on transcript NM_001379500.1 (MANE Select); coding-DNA position 1132, G replaced by A.
Protein change: p.Ala378Thr; replaces alanine 378 with threonine.
Molecular consequence: missense variant.
Genome position (GRCh38, 1-based): chr21:45,477,876, G>A. VCF-style: chr21-45477876-G-A. GRCh37 (hg19) VCF-style: chr21-46897790-G-A.
Other names: NM_130445.2:c.1132G>A; c.1672G>A, p.Ala558Thr (NM_030582.4); c.2377G>A, p.Ala793Thr (NM_130444.3); short protein forms A558T, A793T, A378T.
Identifiers: ClinVar variation 898134 (VCV000898134.7), dbSNP rs554098446, ClinGen allele CA10066081.

ClinVar aggregate classification (germline): Uncertain significance. Review status: criteria provided, multiple submitters, no conflicts (2 of 4 stars). 3 submissions from 3 submitters: Uncertain significance (3). Last evaluated 2022-05-19.

Conditions:
Inborn genetic diseases. Identifiers: MedGen C0950123, MeSH D030342.
Knobloch syndrome (KNO). Also called: RETINAL DETACHMENT AND OCCIPITAL ENCEPHALOCELE; Myopia retinal detachment encephalocele. Identifiers: Orphanet 1571, MedGen C1849409, MONDO:0800166.

Allele frequency attached by ClinVar (database versions not stated): ExAC below 0.00001; TOPMed below 0.00001; gnomAD 0.00001 and 0.00003; gnomAD exomes 0.00002 and 0.00003; 1000 Genomes Project 30x 0.00031; 1000 Genomes Project 0.00040.

Submissions (3):

Labcorp Genetics (formerly Invitae), Labcorp
Classification: Uncertain significance. Last evaluated: 2022-05-19. Review status: criteria provided, single submitter. Criteria: Invitae Variant Classification Sherloc (09022015). Collection method: clinical testing. Allele origin: germline.
Comment: This sequence change replaces alanine, which is neutral and non-polar, with threonine, which is neutral and polar, at codon 378 of the COL18A1 protein (p.Ala378Thr). The frequency data for this variant in the population databases is considered unreliable, as metrics indicate poor data quality at this position in the gnomAD database. This variant has not been reported in the literature in individuals affected with COL18A1-related conditions. ClinVar contains an entry for this variant (Variation ID: 898134). Experimental studies and prediction algorithms are not available or were not evaluated, and the functional significance of this variant is currently unknown. In summary, the available evidence is currently insufficient to determine the role of this variant in disease. Therefore, it has been classified as a Variant of Uncertain Significance.

Ambry Genetics
Classification: Uncertain significance for Inborn genetic diseases. Last evaluated: 2021-08-23. Review status: criteria provided, single submitter. Criteria: Ambry Variant Classification Scheme 2023. Collection method: clinical testing. Allele origin: germline.

Illumina Laboratory Services, Illumina
Classification: Uncertain significance for Knobloch syndrome 1. Last evaluated: 2018-01-13. Review status: criteria provided, single submitter. Criteria: ICSL Variant Classification Criteria 13 December 2019. Collection method: clinical testing. Allele origin: germline.